The following is an entry in ClinVar:

NM_000890.5(KCNJ5):c.1152A>G (p.Pro384=)

Gene: KCNJ5 (potassium inwardly rectifying channel subfamily J member 5; plus strand). Cytogenetic location: 11q24.3.
Variant type: single nucleotide variant.
Coding change: c.1152A>G on transcript NM_000890.5 (MANE Select); coding-DNA position 1152, A replaced by G.
Protein change: p.Pro384=; no amino-acid change (proline 384 retained).
Molecular consequence: synonymous variant.
Genome position (GRCh38, 1-based): chr11:128,916,623, A>G. VCF-style: chr11-128916623-A-G. GRCh37 (hg19) VCF-style: chr11-128786518-A-G.
Other names: c.1152A>G, p.Pro384= (NM_001354169.2); c.1152A>G (LRG_333t1).
Identifiers: ClinVar variation 507821 (VCV000507821.4), dbSNP rs987098040, ClinGen allele CA230583291.
Genomic context (GRCh38, chr11:128,916,623, plus strand): 5'-CAAGGAGCTGGCAGAAATGAAGAGGGAAGGCCGGCTCCTCCAGTACCTCCCCAGCCCCCC[A>G]CTGCTGGGGGGCTGTGCTGAGGCAGGGCTGGATGCAGAGGCTGAGCAGAATGAAGAAGAT-3'
Protein context (NP_000881.3, residues 374-394): GRLLQYLPSP[Pro384=]LLGGCAEAGL

ClinVar aggregate classification (germline): Likely benign. Review status: criteria provided, multiple submitters, no conflicts (2 of 4 stars). 3 submissions from 3 submitters: Likely benign (3). Last evaluated 2025-03-02.

Conditions:
Cardiovascular phenotype. Identifiers: MedGen CN230736.
Long QT syndrome (LQTS). Identifiers: MedGen C0023976, MeSH D008133, MONDO:0002442. Disease mechanism: loss of function. Inheritance: Various modes of inheritance.

Allele frequency attached by ClinVar (database versions not stated): gnomAD exomes below 0.00001 and 0.00001; TOPMed 0.00002; gnomAD 0.00003 and 0.00004.
gnomAD v4.1: 6 of 1,613,556 alleles (0.00037%); highest among the groups gnomAD compares: African/African-American, 0.008%; no homozygotes.

Submissions (3):

Labcorp Genetics (formerly Invitae), Labcorp
Classification: Likely benign for Long QT syndrome. Last evaluated: 2025-03-02. Review status: criteria provided, single submitter. Criteria: Invitae Variant Classification Sherloc (09022015). Collection method: clinical testing. Allele origin: germline.

Ambry Genetics
Classification: Likely benign for Cardiovascular phenotype. Last evaluated: 2022-03-06. Review status: criteria provided, single submitter. Criteria: Ambry Variant Classification Scheme 2023. Collection method: clinical testing. Allele origin: germline.

GeneDx
Classification: Likely benign. Last evaluated: 2017-03-03. Review status: criteria provided, single submitter. Criteria: GeneDx Variant Classification (06012015). Collection method: clinical testing. Allele origin: germline. Affected: yes.
Comment: This variant is considered likely benign or benign based on one or more of the following criteria: it is a conservative change, it occurs at a poorly conserved position in the protein, it is predicted to be benign by multiple in silico algorithms, and/or has population frequency not consistent with disease.